The following is an entry in ClinVar:

NM_006904.7(PRKDC):c.4871A>G (p.Gln1624Arg)

Gene: PRKDC (protein kinase, DNA-activated, catalytic subunit; minus strand). Cytogenetic location: 8q11.21.
Variant type: single nucleotide variant.
Coding change: c.4871A>G on transcript NM_006904.7 (MANE Select); coding-DNA position 4871, A replaced by G.
Protein change: p.Gln1624Arg; replaces glutamine 1624 with arginine.
Molecular consequence: missense variant.
Genome position (GRCh38, 1-based): chr8:47,882,003, T>C on the plus strand (A>G on the coding strand, the complement: PRKDC is on the minus strand). VCF-style: chr8-47882003-T-C. GRCh37 (hg19) VCF-style: chr8-48794564-T-C.
Other names: c.4871A>G, p.Gln1624Arg (NM_001081640.2); short protein forms Q1624R.
Identifiers: ClinVar variation 1743720 (VCV001743720.2), dbSNP rs2551872710, ClinGen allele CA371141941.

ClinVar aggregate classification (germline): Uncertain significance (1 of 4 stars; one submission).

Submission:

Ambry Genetics
Classification: Uncertain significance. Last evaluated: 2022-03-16. Review status: criteria provided, single submitter. Criteria: Ambry Variant Classification Scheme 2023. Collection method: clinical testing. Allele origin: germline.
Comment: The p.Q1624R variant (also known as c.4871A>G), located in coding exon 37 of the PRKDC gene, results from an A to G substitution at nucleotide position 4871. The glutamine at codon 1624 is replaced by arginine, an amino acid with highly similar properties. This amino acid position is conserved. Since supporting evidence is limited at this time, the clinical significance of this alteration remains unclear.